The following is an entry in ClinVar:

ClinVar aggregate classification (germline): Uncertain significance (1 of 4 stars; one submission).

Conditions:
Severe combined immunodeficiency due to DNA-PKcs deficiency. Also called: IMMUNODEFICIENCY 26 WITH NEUROLOGIC ABNORMALITIES; Immunodeficiency 26 with or without neurologic abnormalities. Identifiers: Orphanet 317425, MedGen C4014833, MONDO:0014423, OMIM 615966.

Allele frequency attached by ClinVar (database versions not stated): gnomAD exomes 0.00001 and 0.00003; ExAC 0.00002; gnomAD 0.00002; TOPMed 0.00003.
gnomAD v4.1: 49 of 1,599,876 alleles (0.0031%); highest among the groups gnomAD compares: Non-Finnish European, 0.0041%; no homozygotes.

Submission:

Labcorp Genetics (formerly Invitae), Labcorp
Classification: Uncertain significance for Severe combined immunodeficiency due to DNA-PKcs deficiency. Last evaluated: 2025-08-07. Review status: criteria provided, single submitter. Criteria: Invitae Variant Classification Sherloc (09022015). Collection method: clinical testing. Allele origin: germline.
Comment: This sequence change replaces proline, which is neutral and non-polar, with leucine, which is neutral and non-polar, at codon 2444 of the PRKDC protein (p.Pro2444Leu). The frequency data for this variant in the population databases is considered unreliable, as metrics indicate poor data quality at this position in the gnomAD database. This variant has not been reported in the literature in individuals affected with PRKDC-related conditions. ClinVar contains an entry for this variant (Variation ID: 542006). Invitae Evidence Modeling of protein sequence and biophysical properties (such as structural, functional, and spatial information, amino acid conservation, physicochemical variation, residue mobility, and thermodynamic stability) has been performed for this missense variant. However, the output from this modeling did not meet the statistical confidence thresholds required to predict the impact of this variant on PRKDC protein function. In summary, the available evidence is currently insufficient to determine the role of this variant in disease. Therefore, it has been classified as a Variant of Uncertain Significance.

NM_006904.7(PRKDC):c.7331C>T (p.Pro2444Leu)

Gene: PRKDC (protein kinase, DNA-activated, catalytic subunit; minus strand). Cytogenetic location: 8q11.21.
Variant type: single nucleotide variant.
Coding change: c.7331C>T on transcript NM_006904.7 (MANE Select); coding-DNA position 7331, C replaced by T.
Protein change: p.Pro2444Leu; replaces proline 2444 with leucine.
Molecular consequence: missense variant.
Genome position (GRCh38, 1-based): chr8:47,840,139, G>A on the plus strand (C>T on the coding strand, the complement: PRKDC is on the minus strand). VCF-style: chr8-47840139-G-A. GRCh37 (hg19) VCF-style: chr8-48752700-G-A.
Other names: c.7331C>T, p.Pro2444Leu (NM_001081640.2); short protein forms P2444L.
Identifiers: ClinVar variation 542006 (VCV000542006.5), dbSNP rs749527505, ClinGen allele CA4740131.